The following is an entry in ClinVar:

ClinVar aggregate classification (germline): Uncertain significance (1 of 4 stars; one submission).

Submission:

Labcorp Genetics (formerly Invitae), Labcorp
Classification: Uncertain significance. Last evaluated: 2022-09-14. Review status: criteria provided, single submitter. Criteria: Invitae Variant Classification Sherloc (09022015). Collection method: clinical testing. Allele origin: germline.
Comment: In summary, the available evidence is currently insufficient to determine the role of this variant in disease. Therefore, it has been classified as a Variant of Uncertain Significance. Algorithms developed to predict the effect of missense changes on protein structure and function are either unavailable or do not agree on the potential impact of this missense change (SIFT: "Deleterious"; PolyPhen-2: "Not Available"; Align-GVGD: "Class C0"). This variant has not been reported in the literature in individuals affected with POLD2-related conditions. This variant is not present in population databases (gnomAD no frequency). This sequence change replaces glutamic acid, which is acidic and polar, with glycine, which is neutral and non-polar, at codon 401 of the POLD2 protein (p.Glu401Gly).

NM_006230.4(POLD2):c.1097A>G (p.Glu366Gly)

Gene: POLD2 (DNA polymerase delta 2, accessory subunit; minus strand). Cytogenetic location: 7p13.
Variant type: single nucleotide variant.
Coding change: c.1097A>G on transcript NM_006230.4 (MANE Select); coding-DNA position 1097, A replaced by G.
Protein change: p.Glu366Gly; replaces glutamic acid 366 with glycine.
Molecular consequence: missense variant.
Genome position (GRCh38, 1-based): chr7:44,115,816, T>C on the plus strand (A>G on the coding strand, the complement: POLD2 is on the minus strand). VCF-style: chr7-44115816-T-C. GRCh37 (hg19) VCF-style: chr7-44155415-T-C.
Other names: c.1097A>G, p.Glu366Gly (NM_001256879.2, NM_001127218.3); short protein forms E366G.
Identifiers: ClinVar variation 2030419 (VCV002030419.4), dbSNP rs2484378680, ClinGen allele CA367380177.